The following is an entry in ClinVar:

ClinVar aggregate classification (germline): Pathogenic/Likely pathogenic. Review status: criteria provided, multiple submitters, no conflicts (2 of 4 stars). 2 submissions from 2 submitters: Pathogenic (1); Likely pathogenic (1). Last evaluated 2025-09-02.

Conditions:
Glycogen storage disease IXc (GSD9C). Also called: GSD IXc. Identifiers: Orphanet 264580, MedGen C2751643, MONDO:0013091, OMIM 613027.

Allele frequency attached by ClinVar (database versions not stated): gnomAD exomes 0.00001.
gnomAD v4.1: 3 of 1,614,218 alleles (0.00019%); highest among the groups gnomAD compares: South Asian, 0.0033%; no homozygotes.

Submissions (2):

Labcorp Genetics (formerly Invitae), Labcorp
Classification: Likely pathogenic for Glycogen storage disease IXc. Last evaluated: 2025-09-02. Review status: criteria provided, single submitter. Criteria: Invitae Variant Classification Sherloc (09022015). Collection method: clinical testing. Allele origin: germline.
Comment: This sequence change replaces leucine, which is neutral and non-polar, with proline, which is neutral and non-polar, at codon 144 of the PHKG2 protein (p.Leu144Pro). This variant is present in population databases (no rsID available, gnomAD 0.006%). This missense change has been observed in individual(s) with glycogen storage disease (PMID: 17689125, 34989216; internal data). ClinVar contains an entry for this variant (Variation ID: 962942). Invitae Evidence Modeling of protein sequence and biophysical properties (such as structural, functional, and spatial information, amino acid conservation, physicochemical variation, residue mobility, and thermodynamic stability) indicates that this missense variant is expected to disrupt PHKG2 protein function with a positive predictive value of 80%. In summary, the currently available evidence indicates that the variant is pathogenic, but additional data are needed to prove that conclusively. Therefore, this variant has been classified as Likely Pathogenic.

Kasturba Medical College, Manipal, Kasturba Medical College, Manipal, Manipal Academy of Higher Education, Manipal, India
Classification: Pathogenic for Glycogen storage disease IXc. Review status: criteria provided, single submitter. Criteria: ACMG Guidelines, 2015. Collection method: clinical testing. Allele origin: inherited. Affected: yes.

Literature cited by the submitters: PubMed 17689125 (cited by Labcorp Genetics (formerly Invitae), Labcorp); PubMed 34989216 (cited by Labcorp Genetics (formerly Invitae), Labcorp).

NM_000294.3(PHKG2):c.431T>C (p.Leu144Pro)

Gene: PHKG2 (phosphorylase kinase catalytic subunit gamma 2; plus strand). Cytogenetic location: 16p11.2.
Variant type: single nucleotide variant.
Coding change: c.431T>C on transcript NM_000294.3 (MANE Select); coding-DNA position 431, T replaced by C.
Protein change: p.Leu144Pro; replaces leucine 144 with proline.
Molecular consequence: missense variant.
Genome position (GRCh38, 1-based): chr16:30,753,432, T>C. VCF-style: chr16-30753432-T-C. GRCh37 (hg19) VCF-style: chr16-30764753-T-C.
Other names: c.431T>C, p.Leu144Pro (NM_001172432.2); short protein forms L144P.
Identifiers: ClinVar variation 962942 (VCV000962942.11), dbSNP rs1567261889, ClinGen allele CA395656318.